The following is an entry in ClinVar:

ClinVar aggregate classification (germline): Likely benign. Review status: criteria provided, multiple submitters, no conflicts (2 of 4 stars). 2 submissions from 2 submitters: Likely benign (2). Last evaluated 2026-01-26.

Conditions:
Menkes kinky-hair syndrome (MNK). Also called: Copper transport disease; Menkes Disease; Classic Menkes Disease. Identifiers: Orphanet 565, MedGen C0022716, MONDO:0010651, OMIM 309400.
X-linked distal spinal muscular atrophy type 3. Also called: NEURONOPATHY, DISTAL HEREDITARY MOTOR, X-LINKED; NEUROPATHY, DISTAL HEREDITARY MOTOR, X-LINKED; ATP7A-Related Distal Motor Neuropathy; SPINAL MUSCULAR ATROPHY, DISTAL, X-LINKED RECESSIVE. Identifiers: Orphanet 139557, MedGen C1845359, MONDO:0010338, OMIM 300489.
Cutis laxa, X-linked (OHS). Also called: Occipital horn syndrome; EDS IX. Identifiers: Orphanet 198, MedGen C0268353, MONDO:0010572, OMIM 304150.

Allele frequency attached by ClinVar (database versions not stated): gnomAD 0.00001; ExAC 0.00002; gnomAD exomes 0.00002; TOPMed 0.00002.

Submissions (2):

Labcorp Genetics (formerly Invitae), Labcorp
Classification: Likely benign for X-linked distal spinal muscular atrophy type 3; Cutis laxa, X-linked; Menkes kinky-hair syndrome. Last evaluated: 2026-01-26. Review status: criteria provided, single submitter. Criteria: Invitae Variant Classification Sherloc (09022015). Collection method: clinical testing. Allele origin: germline.

CeGaT Center for Human Genetics Tuebingen
Classification: Likely benign. Last evaluated: 2025-07-01. Review status: criteria provided, single submitter. Criteria: CeGaT Center For Human Genetics Tuebingen Variant Classification Criteria Version 2. Collection method: clinical testing. Allele origin: germline. Affected: yes. Observed: 2 variant alleles.
Comment: ATP7A: BS2

NM_000052.7(ATP7A):c.2581C>T (p.Arg861Cys)

Gene: ATP7A (ATPase copper transporting alpha; plus strand). Cytogenetic location: Xq21.1.
Variant type: single nucleotide variant.
Coding change: c.2581C>T on transcript NM_000052.7 (MANE Select); coding-DNA position 2581, C replaced by T.
Protein change: p.Arg861Cys; replaces arginine 861 with cysteine.
Molecular consequence: missense variant.
Genome position (GRCh38, 1-based): chrX:78,015,836, C>T. VCF-style: chrX-78015836-C-T. GRCh37 (hg19) VCF-style: chrX-77271333-C-T.
Other names: c.2347C>T, p.Arg783Cys (NM_001282224.2); short protein forms R861C, R783C.
Identifiers: ClinVar variation 465114 (VCV000465114.23), dbSNP rs781892236, ClinGen allele CA10459296.